The following is an entry in ClinVar:

ClinVar aggregate classification (germline): Likely benign (1 of 4 stars; one submission).

Conditions:
Malignant hyperthermia, susceptibility to, 5 (MHS5). Also called: CACNA1S-Related Malignant Hyperthermia Susceptibility. Identifiers: Orphanet 423, MedGen C1866077, MONDO:0011163, OMIM 601887.

Allele frequency attached by ClinVar (database versions not stated): gnomAD exomes below 0.00001; ExAC 0.00001.
gnomAD v4.1: 1 of 1,611,226 alleles (0.000062%); highest among the groups gnomAD compares: Non-Finnish European, 0.000085%; no homozygotes.

Submission:

All of Us Research Program, National Institutes of Health
Classification: Likely benign for Malignant hyperthermia, susceptibility to, 5. Last evaluated: 2023-04-03. Review status: criteria provided, single submitter. Criteria: ACMG Guidelines, 2015. Collection method: clinical testing. Allele origin: germline. Inheritance: Autosomal dominant inheritance. Observed: 1 variant allele, 1 heterozygote.
Comment: This study involves interpretation of variants in research participants for the purpose of population health screening. Participant phenotype was not available at the time of variant classification. Additional details can be found in publication PMID: 35346344, PMCID: PMC8962531

NM_000069.3(CACNA1S):c.4669-7T>C

Gene: CACNA1S (calcium voltage-gated channel subunit alpha1 S; minus strand). Cytogenetic location: 1q32.1.
Variant type: single nucleotide variant.
Coding change: c.4669-7T>C on transcript NM_000069.3 (MANE Select); 7 bases into the intron before coding-DNA position 4669, T replaced by C.
Molecular consequence: intron variant.
Genome position (GRCh38, 1-based): chr1:201,044,463, A>G on the plus strand (T>C on the coding strand, the complement: CACNA1S is on the minus strand). VCF-style: chr1-201044463-A-G. GRCh37 (hg19) VCF-style: chr1-201013591-A-G.
Identifiers: ClinVar variation 3070050 (VCV003070050.1), dbSNP rs779069688, ClinGen allele CA083525.